The following is an entry in ClinVar:

ClinVar aggregate classification (germline): Uncertain significance. Review status: criteria provided, multiple submitters, no conflicts (2 of 4 stars). 2 submissions from 2 submitters: Uncertain significance (2). Last evaluated 2025-02-05.

Conditions:
Familial thoracic aortic aneurysm and aortic dissection (TAAD). Also called: Thoracic aortic aneurysms and dissections. Identifiers: Orphanet 91387, MedGen C4707243, MONDO:0019625.

Allele frequency attached by ClinVar (database versions not stated): gnomAD exomes below 0.00001.
gnomAD v4.1: 1 of 1,208,833 alleles (0.000083%); highest among the groups gnomAD compares: Non-Finnish European, 0.00011%; no homozygotes.

Submissions (2):

Ambry Genetics
Classification: Uncertain significance for Familial thoracic aortic aneurysm and aortic dissection. Last evaluated: 2025-02-05. Review status: criteria provided, single submitter. Criteria: Ambry Variant Classification Scheme 2023. Collection method: clinical testing. Allele origin: germline.
Comment: The p.T1646S variant (also known as c.4937C>G), located in coding exon 28 of the FLNA gene, results from a C to G substitution at nucleotide position 4937. The threonine at codon 1646 is replaced by serine, an amino acid with similar properties. This amino acid position is well conserved in available vertebrate species. In addition, this alteration is predicted to be tolerated by in silico analysis. Based on the available evidence, the clinical significance of this variant remains unclear.

GeneDx
Classification: Uncertain significance. Last evaluated: 2022-04-10. Review status: criteria provided, single submitter. Criteria: GeneDx Variant Classification Process June 2021. Collection method: clinical testing. Allele origin: germline. Affected: yes.
Comment: Not observed at significant frequency in large population cohorts (gnomAD); In silico analysis supports that this missense variant does not alter protein structure/function; Has not been previously published as pathogenic or benign to our knowledge

NM_001110556.2(FLNA):c.4937C>G (p.Thr1646Ser)

Gene: FLNA (filamin A; minus strand). Cytogenetic location: Xq28.
Variant type: single nucleotide variant.
Coding change: c.4937C>G on transcript NM_001110556.2 (MANE Select); coding-DNA position 4937, C replaced by G.
Protein change: p.Thr1646Ser; replaces threonine 1646 with serine.
Molecular consequence: missense variant.
Genome position (GRCh38, 1-based): chrX:154,357,442, G>C on the plus strand (C>G on the coding strand, the complement: FLNA is on the minus strand). VCF-style: chrX-154357442-G-C. GRCh37 (hg19) VCF-style: chrX-153585810-G-C.
Other names: c.4937C>G, p.Thr1646Ser (NM_001456.4); short protein forms T1646S.
Identifiers: ClinVar variation 1708830 (VCV001708830.3), dbSNP rs2522733180, ClinGen allele CA415213030.
Genomic context (GRCh38, chrX:154,357,442, plus strand): 5'-CAACCCAAGCCCCGTGCCGAGCGCCGCAGCGGCCAACAGCGGGCGGGCTCACCTGTGACA[G>C]TGCACTTGCTGGCGTCCCCGGTGGGCACGGCACGCACGCGGTACGGGGAGAAGGGGATCT-3'
Protein context (NP_001104026.1, residues 1636-1656): AVPTGDASKC[Thr1646Ser]VTVSIGGHGL